The following is an entry in ClinVar:

ClinVar aggregate classification (germline): Uncertain significance (1 of 4 stars; one submission).

Conditions:
Disseminated atypical mycobacterial infection. Identifiers: MedGen C0694566.

Allele frequency attached by ClinVar (database versions not stated): TOPMed 0.00001.

Submission:

Labcorp Genetics (formerly Invitae), Labcorp
Classification: Uncertain significance for Disseminated atypical mycobacterial infection. Last evaluated: 2025-06-11. Review status: criteria provided, single submitter. Criteria: Invitae Variant Classification Sherloc (09022015). Collection method: clinical testing. Allele origin: germline.
Comment: This sequence change replaces asparagine, which is neutral and polar, with lysine, which is basic and polar, at codon 385 of the IFNGR1 protein (p.Asn385Lys). This variant is present in population databases (no rsID available, gnomAD 0.003%). This variant has not been reported in the literature in individuals affected with IFNGR1-related conditions. ClinVar contains an entry for this variant (Variation ID: 945730). Invitae Evidence Modeling of protein sequence and biophysical properties (such as structural, functional, and spatial information, amino acid conservation, physicochemical variation, residue mobility, and thermodynamic stability) indicates that this missense variant is not expected to disrupt IFNGR1 protein function with a negative predictive value of 80%. Algorithms developed to predict the effect of sequence changes on RNA splicing suggest that this variant may create or strengthen a splice site. In summary, the available evidence is currently insufficient to determine the role of this variant in disease. Therefore, it has been classified as a Variant of Uncertain Significance.

NM_000416.3(IFNGR1):c.1155C>G (p.Asn385Lys)

Gene: IFNGR1 (interferon gamma receptor 1; minus strand). Cytogenetic location: 6q23.3.
Variant type: single nucleotide variant.
Coding change: c.1155C>G on transcript NM_000416.3 (MANE Select); coding-DNA position 1155, C replaced by G.
Protein change: p.Asn385Lys; replaces asparagine 385 with lysine.
Molecular consequence: missense variant.
Genome position (GRCh38, 1-based): chr6:137,198,346, G>C on the plus strand (C>G on the coding strand, the complement: IFNGR1 is on the minus strand). VCF-style: chr6-137198346-G-C. GRCh37 (hg19) VCF-style: chr6-137519483-G-C.
Other names: c.1125C>G, p.Asn375Lys (NM_001363526.1); c.1032C>G, p.Asn344Lys (NM_001363527.1); short protein forms N375K, N385K, N344K.
Identifiers: ClinVar variation 945730 (VCV000945730.11), dbSNP rs148989052, ClinGen allele CA365772598.
Genomic context (GRCh38, chr6:137,198,346, plus strand): 5'-ACTCTCAGAACAATTTCTGGAGTGATACGAGTTTAAAGCGATGCTGCCAGGTTCAGACTG[G>C]TTACTACTTAAAGGTGAAGAACTCTCTCTCTCTATTGGAGTCAGATGGCTGCCCGGGACC-3'
Protein context (NP_000407.1, residues 375-395): ERESSSPLSS[Asn385Lys]QSEPGSIALN